The following is an entry in ClinVar:

NM_001271696.3(ABCB7):c.1342C>T (p.Leu448Phe)

Gene: ABCB7 (ATP binding cassette subfamily B member 7; minus strand). Cytogenetic location: Xq13.3.
Variant type: single nucleotide variant.
Coding change: c.1342C>T on transcript NM_001271696.3 (MANE Select); coding-DNA position 1342, C replaced by T.
Protein change: p.Leu448Phe; replaces leucine 448 with phenylalanine.
Molecular consequence: missense variant.
Genome position (GRCh38, 1-based): chrX:75,070,388, G>A on the plus strand (C>T on the coding strand, the complement: ABCB7 is on the minus strand). VCF-style: chrX-75070388-G-A. GRCh37 (hg19) VCF-style: chrX-74290223-G-A.
Other names: c.1222C>T, p.Leu408Phe (NM_001271697.3); c.1264C>T, p.Leu422Phe (NM_001271698.3); c.1225C>T, p.Leu409Phe (NM_001271699.3); c.1345C>T, p.Leu449Phe (NM_004299.6); short protein forms L408F, L409F, L422F, L448F, L449F.
Identifiers: ClinVar variation 4879426 (VCV004879426.1).

ClinVar aggregate classification (germline): Uncertain significance (1 of 4 stars; one submission).

Conditions:
X-linked sideroblastic anemia with ataxia (SCAX6). Also called: SPINOCEREBELLAR ATAXIA, X-LINKED 6, WITH OR WITHOUT SIDEROBLASTIC ANEMIA. Identifiers: Orphanet 2802, MedGen C1845028, MONDO:0010524, OMIM 301310.

Submission:

Institute of Human Genetics, University of Leipzig Medical Center
Classification: Uncertain significance for X-linked sideroblastic anemia with ataxia. Last evaluated: 2026-07-01. Review status: criteria provided, single submitter. Criteria: ACMG Guidelines, 2015. Collection method: clinical testing. Allele origin: unknown. Inheritance: X-linked recessive inheritance. Affected: yes.
Comment: Criteria applied: PM2,PP2,PP3